The following is an entry in ClinVar:

NM_001365951.3(KIF1B):c.2429A>T (p.Glu810Val)

Gene: KIF1B (kinesin family member 1B; plus strand). Cytogenetic location: 1p36.22.
Variant type: single nucleotide variant.
Coding change: c.2429A>T on transcript NM_001365951.3 (MANE Select); coding-DNA position 2429, A replaced by T.
Protein change: p.Glu810Val; replaces glutamic acid 810 with valine.
Molecular consequence: missense variant.
Genome position (GRCh38, 1-based): chr1:10,323,954, A>T. VCF-style: chr1-10323954-A-T. GRCh37 (hg19) VCF-style: chr1-10384012-A-T.
Other names: c.2429A>T, p.Glu810Val (NM_001365952.1); c.2291A>T, p.Glu764Val (NM_015074.3); short protein forms E764V, E810V.
Identifiers: ClinVar variation 3864055 (VCV003864055.1).

ClinVar aggregate classification (germline): Uncertain significance (1 of 4 stars; one submission).

Submission:

Ambry Genetics
Classification: Uncertain significance. Last evaluated: 2024-12-28. Review status: criteria provided, single submitter. Criteria: Ambry Variant Classification Scheme 2023. Collection method: clinical testing. Allele origin: germline.
Comment: The p.E764V variant (also known as c.2291A>T), located in coding exon 22 of the KIF1B gene, results from an A to T substitution at nucleotide position 2291. The glutamic acid at codon 764 is replaced by valine, an amino acid with dissimilar properties. This amino acid position is conserved. In addition, this alteration is predicted to be tolerated by in silico analysis. Based on the available evidence, the clinical significance of this variant remains unclear.